The following is an entry in ClinVar:

ClinVar aggregate classification (germline): Likely benign (1 of 4 stars; one submission).

Submission:

CeGaT Center for Human Genetics Tuebingen
Classification: Likely benign. Last evaluated: 2026-04-01. Review status: criteria provided, single submitter. Criteria: CeGaT Center For Human Genetics Tuebingen Variant Classification Criteria Version 2. Collection method: clinical testing. Allele origin: germline. Affected: yes. Observed: 1 variant allele.
Comment: GPRC5B: BP4, BS1

NM_016235.3(GPRC5B):c.970G>A (p.Val324Met)

Gene: GPRC5B (G protein-coupled receptor class C group 5 member B; minus strand). Cytogenetic location: 16p12.3.
Variant type: single nucleotide variant.
Coding change: c.970G>A on transcript NM_016235.3 (MANE Select); coding-DNA position 970, G replaced by A.
Protein change: p.Val324Met; replaces valine 324 with methionine.
Molecular consequence: missense variant.
Genome position (GRCh38, 1-based): chr16:19,871,876, C>T on the plus strand (G>A on the coding strand, the complement: GPRC5B is on the minus strand). VCF-style: chr16-19871876-C-T. GRCh37 (hg19) VCF-style: chr16-19883198-C-T.
Other names: c.1363G>A, p.Val455Met (NM_001304771.1); short protein forms V324M, V455M.
Identifiers: ClinVar variation 4871999 (VCV004871999.2).